The following is an entry in ClinVar:

NM_000532.5(PCCB):c.554C>T (p.Thr185Met)

Gene: PCCB (propionyl-CoA carboxylase subunit beta; plus strand). Cytogenetic location: 3q22.3.
Variant type: single nucleotide variant.
Coding change: c.554C>T on transcript NM_000532.5 (MANE Select); coding-DNA position 554, C replaced by T.
Protein change: p.Thr185Met; replaces threonine 185 with methionine.
Molecular consequence: missense variant.
Genome position (GRCh38, 1-based): chr3:136,283,847, C>T. VCF-style: chr3-136283847-C-T. GRCh37 (hg19) VCF-style: chr3-136002689-C-T.
Other names: c.614C>T, p.Thr205Met (NM_001178014.2); short protein forms T185M, T205M.
Identifiers: ClinVar variation 343465 (VCV000343465.10), dbSNP rs369612150, ClinGen allele CA2631781.
Genomic context (GRCh38, chr3:136,283,847, plus strand): 5'-TGCCTCAAACATCTCTGTAACCAGATGCTTTTGCTTTTCTGTTTTGGCAGAGGAATGTTA[C>T]GGCATCCGGAGTCATCCCTCAGATTTCTCTGATCATGGGCCCATGTGCTGGTGGGGCCGT-3'
Protein context (NP_000523.2, residues 175-195): GYADIFLRNV[Thr185Met]ASGVIPQISL

ClinVar aggregate classification (germline): Uncertain significance. Review status: criteria provided, multiple submitters, no conflicts (2 of 4 stars). 4 submissions from 4 submitters: Uncertain significance (4). Last evaluated 2025-02-18.

Conditions:
Propionic acidemia (PROP). Also called: GLYCINEMIA, KETOTIC; HYPERGLYCINEMIA WITH KETOACIDOSIS AND LEUKOPENIA; KETOTIC HYPERGLYCINEMIA. Identifiers: Orphanet 35, MedGen C0268579, MONDO:0011628, OMIM 606054, HP:0003571.
Inborn genetic diseases. Identifiers: MedGen C0950123, MeSH D030342.

Allele frequency attached by ClinVar (database versions not stated): TOPMed 0.00003; ExAC 0.00004; gnomAD exomes 0.00006; ESP Exome Variant Server 0.00008.
gnomAD v4.1: 53 of 1,610,852 alleles (0.0033%); highest among the groups gnomAD compares: Admixed American, 0.02%; no homozygotes.

Submissions (4):

3billion
Classification: Uncertain significance for Propionic acidemia. Last evaluated: 2025-02-18. Review status: criteria provided, single submitter. Criteria: ACMG Guidelines, 2015. Collection method: clinical testing. Allele origin: germline. Affected: yes.
Comment: The variant is observed at an extremely low frequency in the gnomAD v4.1.0 dataset (total allele frequency: 0.003%). Predicted Consequence/Location: Missense variant Damaging effect on gene or gene product predicted by in silico programs is uncertain [REVEL: 0.37 (damaging >=0.6, benign <0.4), 3Cnet: 0.54 (damaging >=0.6, benign <0.15)]. The variant has been reported as of uncertain significance (ClinVar ID: VCV000343465). Different missense changes at the same codon have been reported as of uncertain significance (ClinVar ID: VCV000962879). Therefore, this variant is classified as VUS according to the recommendation of ACMG/AMP guideline.

Labcorp Genetics (formerly Invitae), Labcorp
Classification: Uncertain significance for Propionic acidemia. Last evaluated: 2024-12-18. Review status: criteria provided, single submitter. Criteria: Invitae Variant Classification Sherloc (09022015). Collection method: clinical testing. Allele origin: germline.
Comment: This sequence change replaces threonine, which is neutral and polar, with methionine, which is neutral and non-polar, at codon 185 of the PCCB protein (p.Thr185Met). This variant is present in population databases (rs369612150, gnomAD 0.03%). This variant has not been reported in the literature in individuals affected with PCCB-related conditions. ClinVar contains an entry for this variant (Variation ID: 343465). Invitae Evidence Modeling of protein sequence and biophysical properties (such as structural, functional, and spatial information, amino acid conservation, physicochemical variation, residue mobility, and thermodynamic stability) indicates that this missense variant is not expected to disrupt PCCB protein function with a negative predictive value of 95%. In summary, the available evidence is currently insufficient to determine the role of this variant in disease. Therefore, it has been classified as a Variant of Uncertain Significance.

Ambry Genetics
Classification: Uncertain significance for Inborn genetic diseases. Last evaluated: 2023-05-09. Review status: criteria provided, single submitter. Criteria: Ambry Variant Classification Scheme 2023. Collection method: clinical testing. Allele origin: germline.

Illumina Laboratory Services, Illumina
Classification: Uncertain significance for Propionic acidemia. Last evaluated: 2018-01-13. Review status: criteria provided, single submitter. Criteria: ICSL Variant Classification Criteria 13 December 2019. Collection method: clinical testing. Allele origin: germline.